The following is an entry in ClinVar:

ClinVar aggregate classification (germline): Uncertain significance. Review status: criteria provided, multiple submitters, no conflicts (2 of 4 stars). 3 submissions from 3 submitters: Uncertain significance (3). Last evaluated 2025-03-03.

Conditions:
Congenital adrenal hyperplasia due to cytochrome P450 oxidoreductase deficiency. Also called: DISORDERED STEROIDOGENESIS DUE TO POR DEFICIENCY. Identifiers: Orphanet 95699, MedGen C1860042, MONDO:0013310, OMIM 613571.

Allele frequency attached by ClinVar (database versions not stated): gnomAD 0.00001 and 0.00003; ExAC 0.00002; TOPMed 0.00003; gnomAD exomes 0.00004 and 0.00006; 1000 Genomes Project 30x 0.00016; 1000 Genomes Project 0.00020.
gnomAD v4.1: 95 of 1,594,494 alleles (0.006%); highest among the groups gnomAD compares: East Asian, 0.018%; no homozygotes.

Submissions (3):

Women's Health and Genetics/Laboratory Corporation of America, LabCorp
Classification: Uncertain significance. Last evaluated: 2025-03-03. Review status: criteria provided, single submitter. Criteria: LabCorp Variant Classification Summary - May 2015. Collection method: clinical testing. Allele origin: germline.
Comment: Variant summary: POR c.1375G>A (p.Ala459Thr) results in a non-conservative amino acid change in the encoded protein sequence. Two of three in-silico tools predict a damaging effect of the variant on protein function. The variant allele was found at a frequency of 4.4e-05 in 229000 control chromosomes. This frequency is not significantly higher than estimated for a pathogenic variant in POR causing Congenital Adrenal Hyperplasia (4.4e-05 vs 0.00091), allowing no conclusion about variant significance. To our knowledge, no occurrence of c.1375G>A in individuals affected with Congenital Adrenal Hyperplasia has been reported. At least one publication reports experimental evidence evaluating an impact on protein function and this variant affected the protein function (Huang_2008). The following publications have been ascertained in the context of this evaluation (PMID: 18551037, 18230729). ClinVar contains an entry for this variant (Variation ID: 908686). Based on the evidence outlined above, the variant was classified as uncertain significance.

Labcorp Genetics (formerly Invitae), Labcorp
Classification: Uncertain significance for Congenital adrenal hyperplasia due to cytochrome P450 oxidoreductase deficiency. Last evaluated: 2022-09-01. Review status: criteria provided, single submitter. Criteria: Invitae Variant Classification Sherloc (09022015). Collection method: clinical testing. Allele origin: germline.
Comment: This sequence change replaces alanine, which is neutral and non-polar, with threonine, which is neutral and polar, at codon 462 of the POR protein (p.Ala462Thr). This variant is present in population databases (rs72557936, gnomAD 0.05%). This variant has not been reported in the literature in individuals affected with POR-related conditions. ClinVar contains an entry for this variant (Variation ID: 908686). Algorithms developed to predict the effect of missense changes on protein structure and function are either unavailable or do not agree on the potential impact of this missense change (SIFT: "Deleterious"; PolyPhen-2: "Benign"; Align-GVGD: "Class C0"). Experimental studies are conflicting or provide insufficient evidence to determine the effect of this variant on POR function (PMID: 18230729, 18551037). In summary, the available evidence is currently insufficient to determine the role of this variant in disease. Therefore, it has been classified as a Variant of Uncertain Significance.

Illumina Laboratory Services, Illumina
Classification: Uncertain significance for Congenital adrenal hyperplasia due to cytochrome P450 oxidoreductase deficiency. Last evaluated: 2017-04-27. Review status: criteria provided, single submitter. Criteria: ICSL Variant Classification Criteria 13 December 2019. Collection method: clinical testing. Allele origin: germline.
Comment: This variant was observed as part of a predisposition screen in an ostensibly healthy population. A literature search was performed for the gene, cDNA change, and amino acid change (where applicable). Publications were found based on this search. However, the evidence from the literature, in combination with allele frequency data from public databases where available, was not sufficient to rule this variant in or out of causing disease. Therefore, this variant is classified as a variant of unknown significance.

Literature cited by the submitters: PubMed 18551037 (cited by 3 submitters); PubMed 18230729 (cited by 3 submitters).

NM_001395413.1(POR):c.1375G>A (p.Ala459Thr)

Gene: POR (cytochrome p450 oxidoreductase; plus strand). Cytogenetic location: 7q11.23.
Variant type: single nucleotide variant.
Coding change: c.1375G>A on transcript NM_001395413.1 (MANE Select); coding-DNA position 1375, G replaced by A.
Protein change: p.Ala459Thr; replaces alanine 459 with threonine.
Molecular consequence: missense variant. On other transcripts: intron variant (1).
Genome position (GRCh38, 1-based): chr7:75,985,193, G>A. VCF-style: chr7-75985193-G-A. GRCh37 (hg19) VCF-style: chr7-75614511-G-A.
Other names: c.1375G>A, p.Ala459Thr (NM_001367562.3, NM_001382657.2, NM_001382658.3 and 1 more transcripts); c.1429G>A, p.Ala477Thr (NM_001382655.3); c.1239+235G>A (NM_001382662.3); short protein forms A459T, A477T.
Identifiers: ClinVar variation 908686 (VCV000908686.7), dbSNP rs72557936, ClinGen allele CA4304096.